The following is an entry in ClinVar:

ClinVar aggregate classification (germline): Conflicting classifications of pathogenicity. Review status: criteria provided, conflicting classifications (1 of 4 stars). 5 submissions from 5 submitters: Uncertain significance (2); Likely benign (3). Last evaluated 2026-06-21.

Conditions:
TTN-related disorder. Also called: TTN-related condition; TTN-related disease; TTN-related disorders.
Dilated cardiomyopathy 1G (CMD1G). Identifiers: Orphanet 154, MedGen C1858763, MONDO:0011400, OMIM 604145.
Autosomal recessive limb-girdle muscular dystrophy type 2J (LGMDR10). Also called: Limb-girdle muscular dystrophy, type 2J; MUSCULAR DYSTROPHY, LIMB-GIRDLE, AUTOSOMAL RECESSIVE 10. Identifiers: Orphanet 140922, MedGen C1837342, MONDO:0012127, OMIM 608807.

Allele frequency attached by ClinVar (database versions not stated): gnomAD 0.00002; gnomAD exomes 0.00003 and 0.00006; TOPMed 0.00003; ExAC 0.00004.
gnomAD v4.1: 48 of 1,590,384 alleles (0.003%); highest among the groups gnomAD compares: Non-Finnish European, 0.00052%; no homozygotes.

Submissions (5):

PreventionGenetics, part of Exact Sciences
Classification: Likely benign for TTN-related condition. Last evaluated: 2026-06-21. Review status: criteria provided, single submitter. Criteria: ACMG Guidelines, 2015. Collection method: clinical testing. Allele origin: germline.
Comment: This variant is classified as likely benign based on ACMG/AMP sequence variant interpretation guidelines (Richards et al. 2015 PMID: 25741868, with internal and published modifications).

Labcorp Genetics (formerly Invitae), Labcorp
Classification: Likely benign for Dilated cardiomyopathy 1G; Autosomal recessive limb-girdle muscular dystrophy type 2J. Last evaluated: 2026-01-26. Review status: criteria provided, single submitter. Criteria: Invitae Variant Classification Sherloc (09022015). Collection method: clinical testing. Allele origin: germline.

Victorian Clinical Genetics Services, Murdoch Childrens Research Institute
Classification: Uncertain significance for Dilated cardiomyopathy 1G. Last evaluated: 2022-02-02. Review status: criteria provided, single submitter. Criteria: ACMG Guidelines, 2015. Collection method: clinical testing. Allele origin: germline. Inheritance: Autosomal dominant inheritance. Affected: yes.
Comment: Based on the classification scheme VCGS_Germline_v1.3.4, this variant is classified as VUS-3C. Following criteria are met: 0102 - Loss of function is known mechanism of disease in this gene. In addition, dominant-negative is also a suggested mechanism. (PMID: 25589632). (I) 0108 - This gene is associated with both recessive and dominant disease (OMIM). (I) 0112 - The condition associated with this gene has incomplete penetrance. Variants in this gene that result in a premature truncating codon (PTC) are known to have reduced penetrance in DCM (PMID: 25589632). (I) 0212 - Non-canonical splice site variant without proven consequence on splicing (no functional evidence available). (SP) 0251 - This variant is heterozygous. (I) 0302 - Variant is present in gnomAD (v2) <0.001 for a dominant condition (14 heterozygotes, 0 homozygotes). (SP) 0506 - Abnormal splicing is not predicted and nucleotide is poorly conserved. (SB) 0705 - No comparable non-canonical splice site variants have previous evidence for pathogenicity. (I) 0808 - Previous reports of pathogenicity for this variant are conflicting. This variant has a likely benign and a VUS entry in ClinVar. (I) 0905 - No published segregation evidence has been identified for this variant. (I) 1007 - No published functional evidence has been identified for this variant. (I) 1208 - Inheritance information for this variant is not currently available in this individual. (I) Legend: (SP) - Supporting pathogenic, (I) - Information, (SB) - Supporting benign

GeneDx
Classification: Likely benign. Last evaluated: 2021-08-02. Review status: criteria provided, single submitter. Criteria: GeneDx Variant Classification Process June 2021. Collection method: clinical testing. Allele origin: germline. Affected: yes.

Eurofins Ntd Llc (ga)
Classification: Uncertain significance. Last evaluated: 2018-07-27. Review status: criteria provided, single submitter. Criteria: EGL ClinVar v180209 classification definitions. Collection method: clinical testing. Allele origin: germline. Observed: 2 variant alleles, 2 heterozygotes.

Literature cited by the submitters: PubMed 25589632 (cited by Victorian Clinical Genetics Services, Murdoch Childrens Research Institute).

NM_001267550.2(TTN):c.32471-6C>T

Gene: TTN (titin; minus strand). Cytogenetic location: 2q31.2.
Variant type: single nucleotide variant.
Coding change: c.32471-6C>T on transcript NM_001267550.2 (MANE Select); 6 bases into the intron before coding-DNA position 32471, C replaced by T.
Molecular consequence: intron variant.
Genome position (GRCh38, 1-based): chr2:178,684,995, G>A on the plus strand (C>T on the coding strand, the complement: TTN is on the minus strand). VCF-style: chr2-178684995-G-A. GRCh37 (hg19) VCF-style: chr2-179549722-G-A.
Other names: c.13283-42678C>T (NM_003319.4); c.13859-42678C>T (NM_133437.4); c.13658-42678C>T (NM_133432.3); c.28739-6C>T (NM_133378.4); c.31520-6C>T (NM_001256850.1); c.32471-6C>T (NM_001267550.1).
Identifiers: ClinVar variation 499600 (VCV000499600.20), dbSNP rs763361422, ClinGen allele CA1998628.